The following is an entry in ClinVar:

ClinVar aggregate classification (germline): Uncertain significance. Review status: criteria provided, multiple submitters, no conflicts (2 of 4 stars). 3 submissions from 3 submitters: Uncertain significance (3). Last evaluated 2026-02-01.

Conditions:
Hereditary cancer-predisposing syndrome. Also called: Hereditary Cancer Syndrome; Hereditary neoplastic syndrome; Neoplastic Syndromes, Hereditary; Tumor predisposition. Identifiers: Orphanet 140162, MedGen C0027672, MeSH D009386, MONDO:0015356.
Cardiovascular phenotype. Identifiers: MedGen CN230736.

Allele frequency attached by ClinVar (database versions not stated): ExAC 0.00001; gnomAD 0.00001; gnomAD exomes 0.00001; TOPMed 0.00001.
gnomAD v4.1: 8 of 1,597,718 alleles (0.0005%); highest among the groups gnomAD compares: African/African-American, 0.0013%; no homozygotes.

Submissions (3):

Labcorp Genetics (formerly Invitae), Labcorp
Classification: Uncertain significance. Last evaluated: 2026-02-01. Review status: criteria provided, single submitter. Criteria: Invitae Variant Classification Sherloc (09022015). Collection method: clinical testing. Allele origin: germline.
Comment: This sequence change replaces arginine, which is basic and polar, with tryptophan, which is neutral and slightly polar, at codon 537 of the LZTR1 protein (p.Arg537Trp). This variant is present in population databases (rs754507552, gnomAD 0.002%). This variant has not been reported in the literature in individuals affected with LZTR1-related conditions. ClinVar contains an entry for this variant (Variation ID: 1434303). Invitae Evidence Modeling of protein sequence and biophysical properties (such as structural, functional, and spatial information, amino acid conservation, physicochemical variation, residue mobility, and thermodynamic stability) indicates that this missense variant is not expected to disrupt LZTR1 protein function with a negative predictive value of 80%. In summary, the available evidence is currently insufficient to determine the role of this variant in disease. Therefore, it has been classified as a Variant of Uncertain Significance.

Women's Health and Genetics/Laboratory Corporation of America, LabCorp
Classification: Uncertain significance. Last evaluated: 2023-02-13. Review status: criteria provided, single submitter. Criteria: LabCorp Variant Classification Summary - May 2015. Collection method: clinical testing. Allele origin: germline.
Comment: Variant summary: LZTR1 c.1609C>T (p.Arg537Trp) results in a non-conservative amino acid change located in the BTB/POZ domain (IPR000210) of the encoded protein sequence. Four of five in-silico tools predict a damaging effect of the variant on protein function. The variant allele was found at a frequency of 8.6e-06 in 231424 control chromosomes. The available data on variant occurrences in the general population are insufficient to allow any conclusion about variant significance. To our knowledge, no occurrence of c.1609C>T in individuals affected with Noonan Syndrome and no experimental evidence demonstrating its impact on protein function have been reported. Two clinical diagnostic laboratories have submitted clinical-significance assessments for this variant to ClinVar after 2014 and classified the variant as uncertain significance. Based on the evidence outlined above, the variant was classified as uncertain significance.

Ambry Genetics
Classification: Uncertain significance for Cardiovascular phenotype; Hereditary cancer-predisposing syndrome. Last evaluated: 2021-07-13. Review status: criteria provided, single submitter. Criteria: Ambry Variant Classification Scheme 2023. Collection method: clinical testing. Allele origin: germline.
Comment: The p.R537W variant (also known as c.1609C>T), located in coding exon 14 of the LZTR1 gene, results from a C to T substitution at nucleotide position 1609. The arginine at codon 537 is replaced by tryptophan, an amino acid with dissimilar properties. This amino acid position is highly conserved in available vertebrate species. In addition, the in silico prediction for this alteration is inconclusive. Since supporting evidence is limited at this time, the clinical significance of this alteration remains unclear.

NM_006767.4(LZTR1):c.1609C>T (p.Arg537Trp)

Gene: LZTR1 (leucine zipper like post translational regulator 1; plus strand). Cytogenetic location: 22q11.21.
Variant type: single nucleotide variant.
Coding change: c.1609C>T on transcript NM_006767.4 (MANE Select); coding-DNA position 1609, C replaced by T.
Protein change: p.Arg537Trp; replaces arginine 537 with tryptophan.
Molecular consequence: missense variant.
Genome position (GRCh38, 1-based): chr22:20,994,263, C>T. VCF-style: chr22-20994263-C-T. GRCh37 (hg19) VCF-style: chr22-21348552-C-T.
Other names: short protein forms R537W.
Identifiers: ClinVar variation 1434303 (VCV001434303.9), dbSNP rs754507552, ClinGen allele CA10118953.